The following is an entry in ClinVar:

NM_000093.5(COL5A1):c.1010A>G (p.Asp337Gly)

Gene: COL5A1 (collagen type V alpha 1 chain; plus strand). Cytogenetic location: 9q34.3.
Variant type: single nucleotide variant.
Coding change: c.1010A>G on transcript NM_000093.5 (MANE Select); coding-DNA position 1010, A replaced by G.
Protein change: p.Asp337Gly; replaces aspartic acid 337 with glycine.
Molecular consequence: missense variant.
Genome position (GRCh38, 1-based): chr9:134,730,321, A>G. VCF-style: chr9-134730321-A-G. GRCh37 (hg19) VCF-style: chr9-137622167-A-G.
Other names: c.1010A>G, p.Asp337Gly (NM_001278074.1); short protein forms D337G.
Identifiers: ClinVar variation 3666578 (VCV003666578.2).

ClinVar aggregate classification (germline): Uncertain significance (1 of 4 stars; one submission).

Conditions:
Ehlers-Danlos syndrome, classic type, 1 (EDSCL1). Also called: EHLERS-DANLOS SYNDROME, GRAVIS TYPE; EHLERS-DANLOS SYNDROME, SEVERE CLASSIC TYPE; Ehlers-Danlos syndrome, type 1; Ehlers-Danlos Syndrome, Classic Type, COL5A1-Related; EDS I. Identifiers: MedGen C0268335, MONDO:0019567, OMIM 130000.

Submission:

Labcorp Genetics (formerly Invitae), Labcorp
Classification: Uncertain significance for Ehlers-Danlos syndrome, classic type, 1. Last evaluated: 2024-10-10. Review status: criteria provided, single submitter. Criteria: Invitae Variant Classification Sherloc (09022015). Collection method: clinical testing. Allele origin: germline.
Comment: This sequence change replaces aspartic acid, which is acidic and polar, with glycine, which is neutral and non-polar, at codon 337 of the COL5A1 protein (p.Asp337Gly). This variant is not present in population databases (gnomAD no frequency). This variant has not been reported in the literature in individuals affected with COL5A1-related conditions. Invitae Evidence Modeling of protein sequence and biophysical properties (such as structural, functional, and spatial information, amino acid conservation, physicochemical variation, residue mobility, and thermodynamic stability) indicates that this missense variant is not expected to disrupt COL5A1 protein function with a negative predictive value of 95%. In summary, the available evidence is currently insufficient to determine the role of this variant in disease. Therefore, it has been classified as a Variant of Uncertain Significance.